The following is an entry in ClinVar:

NM_000388.4(CASR):c.1776T>A (p.Asn592Lys)

Gene: CASR (calcium sensing receptor; plus strand). Cytogenetic location: 3q21.1.
Variant type: single nucleotide variant.
Coding change: c.1776T>A on transcript NM_000388.4 (MANE Select); coding-DNA position 1776, T replaced by A.
Protein change: p.Asn592Lys; replaces asparagine 592 with lysine.
Molecular consequence: missense variant.
Genome position (GRCh38, 1-based): chr3:122,283,730, T>A. VCF-style: chr3-122283730-T-A. GRCh37 (hg19) VCF-style: chr3-122002577-T-A.
Other names: c.1806T>A, p.Asn602Lys (NM_001178065.2); short protein forms N602K, N592K.
Identifiers: ClinVar variation 1491881 (VCV001491881.8), dbSNP rs2107649392, ClinGen allele CA354157286.

ClinVar aggregate classification (germline): Uncertain significance (1 of 4 stars; one submission).

Conditions:
Familial hypocalciuric hypercalcemia (FHH). Also called: Familial benign hypercalcemia. Identifiers: Orphanet 405, MedGen C1809471, MONDO:0018458.
Autosomal dominant hypocalcemia 1 (HYPOC1). Also called: HYPOCALCEMIA, FAMILIAL. Identifiers: MedGen C3715128, MONDO:0011013, OMIM 601198.

Submission:

Labcorp Genetics (formerly Invitae), Labcorp
Classification: Uncertain significance for Familial hypocalciuric hypercalcemia; Autosomal dominant hypocalcemia 1. Last evaluated: 2020-12-12. Review status: criteria provided, single submitter. Criteria: Invitae Variant Classification Sherloc (09022015). Collection method: clinical testing. Allele origin: germline.
Comment: Algorithms developed to predict the effect of sequence changes on RNA splicing suggest that this variant may create or strengthen a splice site, but this prediction has not been confirmed by published transcriptional studies. Algorithms developed to predict the effect of missense changes on protein structure and function (SIFT, PolyPhen-2, Align-GVGD) all suggest that this variant is likely to be disruptive, but these predictions have not been confirmed by published functional studies and their clinical significance is uncertain. This variant has not been reported in the literature in individuals with CASR-related conditions. This variant is not present in population databases (ExAC no frequency). This sequence change replaces asparagine with lysine at codon 592 of the CASR protein (p.Asn592Lys). The asparagine residue is highly conserved and there is a moderate physicochemical difference between asparagine and lysine. In summary, the available evidence is currently insufficient to determine the role of this variant in disease. Therefore, it has been classified as a Variant of Uncertain Significance.